The following is an entry in ClinVar:

NM_002880.4(RAF1):c.1871C>G (p.Ser624Cys)

Gene: RAF1 (Raf-1 proto-oncogene, serine/threonine kinase; minus strand). Cytogenetic location: 3p25.2.
Variant type: single nucleotide variant.
Coding change: c.1871C>G on transcript NM_002880.4 (MANE Select); coding-DNA position 1871, C replaced by G.
Protein change: p.Ser624Cys; replaces serine 624 with cysteine.
Molecular consequence: missense variant. On other transcripts: non-coding transcript variant (3).
Genome position (GRCh38, 1-based): chr3:12,584,590, G>C on the plus strand (C>G on the coding strand, the complement: RAF1 is on the minus strand). VCF-style: chr3-12584590-G-C. GRCh37 (hg19) VCF-style: chr3-12626089-G-C.
Other names: c.1931C>G, p.Ser644Cys (NM_001354689.3); c.1871C>G, p.Ser624Cys (NM_001354690.3); c.1628C>G, p.Ser543Cys (NM_001354691.3, NM_001354692.3); c.1772C>G, p.Ser591Cys (NM_001354693.3); c.1688C>G, p.Ser563Cys (NM_001354694.3); c.1529C>G, p.Ser510Cys (NM_001354695.3); short protein forms S624C, S563C, S644C, S510C, S543C, S591C.
Identifiers: ClinVar variation 391813 (VCV000391813.22), dbSNP rs1057524239, ClinGen allele CA16604447.
Genomic context (GRCh38, chr3:12,584,590, plus strand): 5'-CTCGGGGACGTGGTCAGCGTGCAAGCATTGATATCCTCAGTGTGGGCTGCCCGATGCAAG[G>C]ATGGCTCGGAAGCGCTCCGGTTGATCTTCGGTAGAGAGTGTTGGAGCAGCTCAATGGAAG-3'
Protein context (NP_002871.1, residues 614-634): PKINRSASEP[Ser624Cys]LHRAAHTEDI

ClinVar aggregate classification (germline): Conflicting classifications of pathogenicity. Review status: criteria provided, conflicting classifications (1 of 4 stars). 6 submissions from 6 submitters: Likely pathogenic (2); Uncertain significance (3); Likely benign (1). Last evaluated 2025-10-06.

Conditions:
RASopathy. Also called: Noonan spectrum disorder; rasopathies. Identifiers: Orphanet 536391, MedGen C5555857, MONDO:0021060.
Noonan syndrome 5 (NS5). Also called: RAF1-Related Noonan Syndrome. Identifiers: Orphanet 648, MedGen C1969057, MONDO:0012690, OMIM 611553. Disease mechanism: gain of function.
LEOPARD syndrome 2 (LPRD2). Also called: RAF1-Related LEOPARD Syndrome. Identifiers: Orphanet 500, MedGen C1969056, MONDO:0012691, OMIM 611554.
Dilated cardiomyopathy 1NN. Identifiers: Orphanet 154, MedGen C4014656, MONDO:0014396, OMIM 615916.

Allele frequency attached by ClinVar (database versions not stated): TOPMed below 0.00001.

Submissions (6):

Labcorp Genetics (formerly Invitae), Labcorp
Classification: Uncertain significance for RASopathy. Last evaluated: 2025-10-06. Review status: criteria provided, single submitter. Criteria: Invitae Variant Classification Sherloc (09022015). Collection method: clinical testing. Allele origin: germline.
Comment: This sequence change replaces serine, which is neutral and polar, with cysteine, which is neutral and slightly polar, at codon 624 of the RAF1 protein (p.Ser624Cys). This variant is not present in population databases (gnomAD no frequency). This variant has not been reported in the literature in individuals affected with RAF1-related conditions. ClinVar contains an entry for this variant (Variation ID: 391813). Invitae Evidence Modeling of protein sequence and biophysical properties (such as structural, functional, and spatial information, amino acid conservation, physicochemical variation, residue mobility, and thermodynamic stability) indicates that this missense variant is expected to disrupt RAF1 protein function with a positive predictive value of 95%. In summary, the available evidence is currently insufficient to determine the role of this variant in disease. Therefore, it has been classified as a Variant of Uncertain Significance.

3billion
Classification: Likely benign for Dilated cardiomyopathy 1NN; LEOPARD syndrome 2; Noonan syndrome 5. Last evaluated: 2024-09-20. Review status: criteria provided, single submitter. Criteria: ACMG Guidelines, 2015. Collection method: clinical testing. Allele origin: germline. Affected: no.
Comment: The variant was identified in at least one patient who was diagnosed with a different variant in another gene and showed no symptoms related to the gene containing the variant in question.

Blueprint Genetics
Classification: Uncertain significance. Last evaluated: 2022-08-19. Review status: criteria provided, single submitter. Criteria: ACMG Guidelines, 2015. Collection method: clinical testing. Allele origin: germline.

Mayo Clinic Laboratories, Mayo Clinic
Classification: Likely pathogenic. Last evaluated: 2019-07-08. Review status: criteria provided, single submitter. Criteria: ClinGen RASopathy ACMG Specifications v1. Collection method: clinical testing. Allele origin: germline. Observed: 1 variant allele.
Comment: PS4_Supporting PM1, PM2, PP2, PP3

GeneDx
Classification: Likely pathogenic. Last evaluated: 2018-08-14. Review status: criteria provided, single submitter. Criteria: GeneDx Variant Classification (06012015). Collection method: clinical testing. Allele origin: germline. Affected: yes.
Comment: The S624C variant in the RAF1 gene has not been reported previously as a pathogenic variant, nor as a benign variant, to our knowledge. The S624C variant was not observed in approximately 6,500 individuals of European and African American ancestry in the NHLBI Exome Sequencing Project, indicating it is not a common benign variant in these populations. The S624C variant is a non-conservative amino acid substitution, which is likely to impact secondary protein structure as these residues differ in polarity, charge, size and/or other properties. This substitution occurs at a position that is conserved across species and in silico analysis predicts this variant is probably damaging to the protein structure/function. We interpret S624C as a likely pathogenic variant.

Geisinger Autism and Developmental Medicine Institute, Geisinger Health System
Classification: Uncertain significance. Last evaluated: 2018-02-26. Review status: criteria provided, single submitter. Criteria: ACMG Guidelines, 2015. Collection method: provider interpretation, clinical testing. Allele origin: paternal. Observed: 1 variant allele.
Comment: This variant is absent from the gnomAD database and computational prediction models are inconsistent. It has not been previously reported in the literature, to our knowledge.